The following is an entry in ClinVar:

ClinVar aggregate classification (germline): Likely benign. Review status: criteria provided, multiple submitters, no conflicts (2 of 4 stars). 2 submissions from 2 submitters: Likely benign (2). Last evaluated 2025-11-16.

Conditions:
MEOX1-related disorder. Also called: MEOX1-related condition.

Allele frequency attached by ClinVar (database versions not stated): gnomAD 0.00002; gnomAD exomes 0.00002 and 0.00005; TOPMed 0.00004; ExAC 0.00007.
gnomAD v4.1: 30 of 1,611,232 alleles (0.0019%); highest among the groups gnomAD compares: Admixed American, 0.018%; no homozygotes.

Submissions (2):

PreventionGenetics, part of Exact Sciences
Classification: Likely benign for MEOX1-related condition. Last evaluated: 2025-11-16. Review status: criteria provided, single submitter. Criteria: ACMG Guidelines, 2015. Collection method: clinical testing. Allele origin: germline.
Comment: This variant is classified as likely benign based on ACMG/AMP sequence variant interpretation guidelines (Richards et al. 2015 PMID: 25741868, with internal and published modifications).

Labcorp Genetics (formerly Invitae), Labcorp
Classification: Likely benign. Last evaluated: 2025-07-13. Review status: criteria provided, single submitter. Criteria: Invitae Variant Classification Sherloc (09022015). Collection method: clinical testing. Allele origin: germline.

NM_004527.4(MEOX1):c.81G>A (p.Ser27=)

Gene: MEOX1 (mesenchyme homeobox 1; minus strand). Cytogenetic location: 17q21.31.
Variant type: single nucleotide variant.
Coding change: c.81G>A on transcript NM_004527.4 (MANE Select); coding-DNA position 81, G replaced by A.
Protein change: p.Ser27=; no amino-acid change (serine 27 retained).
Molecular consequence: synonymous variant. On other transcripts: intron variant (1).
Genome position (GRCh38, 1-based): chr17:43,661,454, C>T on the plus strand (G>A on the coding strand, the complement: MEOX1 is on the minus strand). VCF-style: chr17-43661454-C-T. GRCh37 (hg19) VCF-style: chr17-41738822-C-T.
Other names: c.81G>A (NM_004527.3); c.81G>A, p.Ser27= (NM_013999.4); c.-204-61G>A (NM_001040002.2).
Identifiers: ClinVar variation 1501064 (VCV001501064.9), dbSNP rs781131358, ClinGen allele CA8592711.